The following is an entry in ClinVar:

NM_004336.5(BUB1):c.43A>G (p.Met15Val)

Gene: BUB1 (BUB1 mitotic checkpoint serine/threonine kinase; minus strand). Cytogenetic location: 2q13.
Variant type: single nucleotide variant.
Coding change: c.43A>G on transcript NM_004336.5 (MANE Select); coding-DNA position 43, A replaced by G.
Protein change: p.Met15Val; replaces methionine 15 with valine.
Molecular consequence: missense variant. On other transcripts: intron variant (1).
Genome position (GRCh38, 1-based): chr2:110,674,349, T>C on the plus strand (A>G on the coding strand, the complement: BUB1 is on the minus strand). VCF-style: chr2-110674349-T-C. GRCh37 (hg19) VCF-style: chr2-111431926-T-C.
Other names: c.43A>G, p.Met15Val (NM_001278617.2); c.27-125A>G (NM_001278616.2); short protein forms M15V.
Identifiers: ClinVar variation 3483092 (VCV003483092.1).

ClinVar aggregate classification (germline): Uncertain significance (1 of 4 stars; one submission).

Submission:

Ambry Genetics
Classification: Uncertain significance. Last evaluated: 2024-10-29. Review status: criteria provided, single submitter. Criteria: Ambry Variant Classification Scheme 2023. Collection method: clinical testing. Allele origin: germline.
Comment: The p.M15V variant (also known as c.43A>G), located in coding exon 2 of the BUB1 gene, results from an A to G substitution at nucleotide position 43. The methionine at codon 15 is replaced by valine, an amino acid with highly similar properties. This amino acid position is conserved. In addition, this alteration is predicted to be tolerated by in silico analysis. Based on the available evidence, the clinical significance of this variant remains unclear.